The following is an entry in ClinVar:

ClinVar aggregate classification (germline): Pathogenic. Review status: criteria provided, multiple submitters, no conflicts (2 of 4 stars). 8 submissions from 8 submitters: Pathogenic (6). 2 of the submissions do not count toward it. Last evaluated 2026-01-23.

Conditions:
Wilson disease (WND). Also called: Wilson's disease. Identifiers: Orphanet 905, MedGen C0019202, MONDO:0010200, OMIM 277900. Disease mechanism: loss of function.

Submissions (8):

Women's Health and Genetics/Laboratory Corporation of America, LabCorp
Classification: Pathogenic for Wilson disease. Last evaluated: 2026-01-23. Review status: criteria provided, single submitter. Criteria: LabCorp Variant Classification Summary - May 2015. Collection method: clinical testing. Allele origin: germline.
Comment: Variant summary: ATP7B c.-436_-422del15 is located in the untranscribed region upstream of the ATP7B gene region. The variant was absent in 31384 control chromosomes (gnomAD). c.-436_-422del15 has been observed in multiple individuals affected with Wilson Disease (Loudianos_1999, Cullen_2003). These data indicate that the variant is very likely to be associated with disease. At least one functional study demonstrated a 75% reduction in the transcriptional activity of the mutated sequence compared to the normal control (Loudianos_1999). The following publications have been ascertained in the context of this evaluation (PMID: 14616767, 10502776). ClinVar contains an entry for this variant (Variation ID: 555936). Based on the evidence outlined above, the variant was classified as pathogenic.

Natera, Inc.
Classification: Pathogenic for Wilson disease. Last evaluated: 2026-01-05. Review status: criteria provided, single submitter. Criteria: Natera Variant Classification Schema (03/2026). Collection method: clinical testing. Allele origin: germline.
Comment: The c.-436_-422delTGGCCGAGACCGCGG variant in ATP7B, also known as NC_000013.10:g.52585897_52585911del, is a 5' untranslated region (UTR) variant located upstream of the translation start codon. This variant is rare in the general population with a frequency below the threshold expected for the associated phenotype(s). This variant has been observed in one or more individuals affected with the associated recessive disease, as either homozygous or compound heterozygous with a second variant (PMID: 33159804). Additionally, this variant has been observed to segregate in affected family members (PMID: 33159804). Functional studies show that this variant may disrupt protein function (PMID: 10502776). Given the available evidence, this variant is classified as Pathogenic.

Color Diagnostics, LLC DBA Color Health
Classification: Pathogenic for Wilson disease. Last evaluated: 2025-09-02. Review status: criteria provided, single submitter. Criteria: ACMG Guidelines, 2015. Collection method: clinical testing. Allele origin: germline.
Comment: This variant results in a 15 base-pair deletion in the promoter region of the ATP7B protein. A functional study has shown that this variant reduces transcriptional activity of the ATP7B protein by 75% (PMID: 10502776). This variant has been reported as a founder mutation in the Sardinian population (PMID: 10502776) and has been identified in over thirty individuals affected with Wilson disease in both the homozygous and compound heterozygous states (PMID: 10502776, 14616767, 39628766). This variant has not been identified in the general population by the Genome Aggregation Database (gnomAD). Loss of ATP7B gene function is an established mechanism of disease. Based on the available evidence, this variant is classified as Pathogenic.

GeneDx
Classification: Pathogenic. Last evaluated: 2024-11-14. Review status: criteria provided, single submitter. Criteria: GeneDx Variant Classification Process June 2021. Collection method: clinical testing. Allele origin: germline. Affected: yes.
Comment: Published functional studies found this variant is associated with significantly reduced ATP7B protein expression (PMID: 10502776); No data available from control populations to assess the frequency of this variant; This variant is associated with the following publications: (PMID: 26752957, 10502776, 18728530, 14616767, 36096368, 33159804)

Labcorp Genetics (formerly Invitae), Labcorp
Classification: Pathogenic for Wilson disease. Last evaluated: 2024-07-30. Review status: criteria provided, single submitter. Criteria: Invitae Variant Classification Sherloc (09022015). Collection method: clinical testing. Allele origin: germline.
Comment: This variant occurs in a non-coding region of the ATP7B gene. It does not change the encoded amino acid sequence of the ATP7B protein. This variant is not present in population databases (gnomAD no frequency). This variant has been observed in individuals with Wilson disease (PMID: 10502776, 14616767, 26752957). ClinVar contains an entry for this variant (Variation ID: 555936). Studies have shown that this variant alters ATP7B gene expression (PMID: 10502776). For these reasons, this variant has been classified as Pathogenic.

Baylor Genetics
Classification: Pathogenic for Wilson disease. Last evaluated: 2023-11-21. Review status: criteria provided, single submitter. Criteria: ACMG Guidelines, 2015. Collection method: clinical testing. Allele origin: unknown.

Counsyl
Classification: Pathogenic for Wilson disease. Last evaluated: 2018-01-03. Review status: no assertion criteria provided. Collection method: clinical testing. Allele origin: unknown. Not counted in ClinVar's aggregate classification.

OMIM
Classification: Pathogenic for WILSON DISEASE. Last evaluated: 2003-11-01. Review status: no assertion criteria provided. Collection method: literature only. Allele origin: germline. Not counted in ClinVar's aggregate classification.

Literature cited by the submitters: PubMed 14616767 (cited by 5 submitters); PubMed 10502776 (cited by 6 submitters); PubMed 33159804 (cited by Natera, Inc.); PubMed 39628766 (cited by Color Diagnostics, LLC DBA Color Health); PubMed 26752957 (cited by Labcorp Genetics (formerly Invitae), Labcorp and Counsyl).

NM_000053.4(ATP7B):c.-436_-422del

Genes: ATP7B (ATPase copper transporting beta; minus strand), LOC130009838 (ATAC-STARR-seq lymphoblastoid silent region 5378; plus strand). Cytogenetic location: 13q14.3.
Variant type: Deletion.
Coding change: c.-436_-422del on transcript NM_000053.4 (MANE Select); 436 bases upstream of the start codon through 422 bases upstream of the start codon, 15 bases deleted (TGGCCGAGACCGCGG).
Molecular consequence: genic upstream transcript variant. On other transcripts: 5 prime UTR variant (4), intron variant (9).
Genome position (GRCh38, 1-based): chr13:52,011,759-52,011,773, CCGCGGTCTCGGCCA deleted on the plus strand (TGGCCGAGACCGCGG on the coding strand, the reverse complement: ATP7B is on the minus strand); deleting any 15 consecutive bases within chr13:52,011,759-52,011,775 gives the same sequence; the c. name uses the placement nearest the transcript's 3' end. VCF-style (leftmost placement, unchanged base first): chr13-52011758-TCCGCGGTCTCGGCCA-T. GRCh37 (hg19) VCF-style: chr13-52585894-TCCGCGGTCTCGGCCA-T.
Other names: c.-436_-422del15 (NM_000053.4); c.-171_-157del (NM_001406512.1, NM_001406516.1, NM_001406522.1); c.-355_-341del (NM_001406532.1); c.-55+247_-55+261del (NM_001406541.1, NM_001406531.1, NM_001406527.1 and 4 more transcripts); c.-184+247_-184+261del (NM_001406543.1); c.-238-198_-238-184del (NM_001406528.1); c.-436_-422del (NM_000053.3).
Identifiers: ClinVar variation 555936 (VCV000555936.20), dbSNP rs1484840087, ClinGen allele CA658823687.